The following is an entry in ClinVar:

ClinVar aggregate classification (germline): Uncertain significance. Review status: criteria provided, multiple submitters, no conflicts (2 of 4 stars). 2 submissions from 2 submitters: Uncertain significance (2). Last evaluated 2026-04-22.

Conditions:
Neuronal ceroid lipofuscinosis 3 (CLN3). Identifiers: Orphanet 228346, MedGen C0751383, MONDO:0008767, OMIM 204200.
Neuronal ceroid lipofuscinosis. Also called: Neuronal Ceroid Lipofuscinoses. Identifiers: Orphanet 216, Orphanet 79263, MedGen C0027877, MONDO:0016295. Disease mechanism: loss of function.

Allele frequency attached by ClinVar (database versions not stated): gnomAD exomes below 0.00001; ExAC 0.00001.
gnomAD v4.1: 4 of 1,614,012 alleles (0.00025%); highest among the groups gnomAD compares: Non-Finnish European, 0.00034%; no homozygotes.

Submissions (2):

Myriad Genetics, Inc.
Classification: Uncertain significance for Neuronal ceroid lipofuscinosis 3. Last evaluated: 2026-04-22. Review status: criteria provided, single submitter. Criteria: Myriad Autosomal Dominant, Autosomal Recessive and X-Linked Classification Criteria (2023). Collection method: clinical testing. Allele origin: unknown.
Comment: NM_001042432.1(CLN3):c.916C>T(L306F) is a missense variant classified as a variant of uncertain significance in the context of CLN3-related disorders. L306F has been observed in a case with relevant disease (PMID: 36937954). Relevant functional assessments of this variant are not available in the literature. L306F has been observed in referenced population frequency databases. In summary, there is insufficient evidence to classify NM_001042432.1(CLN3):c.916C>T(L306F) as pathogenic or benign. Please note: this variant was assessed in the context of healthy population screening.

Labcorp Genetics (formerly Invitae), Labcorp
Classification: Uncertain significance for Neuronal ceroid lipofuscinosis. Last evaluated: 2022-06-27. Review status: criteria provided, single submitter. Criteria: Invitae Variant Classification Sherloc (09022015). Collection method: clinical testing. Allele origin: germline.
Comment: This sequence change replaces leucine, which is neutral and non-polar, with phenylalanine, which is neutral and non-polar, at codon 306 of the CLN3 protein (p.Leu306Phe). This variant is present in population databases (rs774239875, gnomAD 0.006%). This variant has not been reported in the literature in individuals affected with CLN3-related conditions. Algorithms developed to predict the effect of missense changes on protein structure and function are either unavailable or do not agree on the potential impact of this missense change (SIFT: "Deleterious"; PolyPhen-2: "Possibly Damaging"; Align-GVGD: "Class C0"). In summary, the available evidence is currently insufficient to determine the role of this variant in disease. Therefore, it has been classified as a Variant of Uncertain Significance.

Literature cited by the submitters: PubMed 36937954 (cited by Myriad Genetics, Inc.).

NM_001042432.2(CLN3):c.916C>T (p.Leu306Phe)

Gene: CLN3 (CLN3 lysosomal/endosomal transmembrane protein, battenin; minus strand). Cytogenetic location: 16p12.1.
Variant type: single nucleotide variant.
Coding change: c.916C>T on transcript NM_001042432.2 (MANE Select); coding-DNA position 916, C replaced by T.
Protein change: p.Leu306Phe; replaces leucine 306 with phenylalanine.
Molecular consequence: missense variant.
Genome position (GRCh38, 1-based): chr16:28,482,373, G>A on the plus strand (C>T on the coding strand, the complement: CLN3 is on the minus strand). VCF-style: chr16-28482373-G-A. GRCh37 (hg19) VCF-style: chr16-28493694-G-A.
Other names: c.844C>T, p.Leu282Phe (NM_001286104.2); c.616C>T, p.Leu206Phe (NM_001286105.2); c.682C>T, p.Leu228Phe (NM_001286109.2); c.754C>T, p.Leu252Phe (NM_001286110.2); c.916C>T, p.Leu306Phe (NM_000086.2); short protein forms L228F, L252F, L206F, L282F, L306F.
Identifiers: ClinVar variation 2141227 (VCV002141227.2), dbSNP rs774239875, ClinGen allele CA7980756.